The following is an entry in ClinVar:

ClinVar aggregate classification (germline): Conflicting classifications of pathogenicity. Review status: criteria provided, conflicting classifications (1 of 4 stars). 2 submissions from 2 submitters: Uncertain significance (1); Likely benign (1). Last evaluated 2025-12-08.

Allele frequency attached by ClinVar (database versions not stated): gnomAD exomes below 0.00001; ExAC 0.00001.
gnomAD v4.1: 2 of 1,613,394 alleles (0.00012%); highest among the groups gnomAD compares: African/African-American, 0.0013%; no homozygotes.

Submissions (2):

GeneDx
Classification: Uncertain significance. Last evaluated: 2025-12-08. Review status: criteria provided, single submitter. Criteria: GeneDx Variant Classification Process June 2021. Collection method: clinical testing. Allele origin: germline.
Comment: In silico analysis supports that this missense variant has a deleterious effect on protein structure/function; Has not been previously published as pathogenic or benign to our knowledge

Labcorp Genetics (formerly Invitae), Labcorp
Classification: Likely benign. Last evaluated: 2023-05-18. Review status: criteria provided, single submitter. Criteria: Invitae Variant Classification Sherloc (09022015). Collection method: clinical testing. Allele origin: germline.

NM_001100913.3(PACS2):c.527G>A (p.Ser176Asn)

Gene: PACS2 (phosphofurin acidic cluster sorting protein 2; plus strand). Cytogenetic location: 14q32.33.
Variant type: single nucleotide variant.
Coding change: c.527G>A on transcript NM_001100913.3 (MANE Select); coding-DNA position 527, G replaced by A.
Protein change: p.Ser176Asn; replaces serine 176 with asparagine.
Molecular consequence: missense variant.
Genome position (GRCh38, 1-based): chr14:105,367,316, G>A. VCF-style: chr14-105367316-G-A. GRCh37 (hg19) VCF-style: chr14-105833653-G-A.
Other names: c.326G>A, p.Ser109Asn (NM_001243127.3); c.527G>A, p.Ser176Asn (NM_015197.4); c.527G>A (NM_001100913.2); short protein forms S109N, S176N.
Identifiers: ClinVar variation 1557903 (VCV001557903.9), dbSNP rs782204977, ClinGen allele CA7388405.